The following is an entry in ClinVar:

NM_000531.6(OTC):c.700G>T (p.Glu234Ter)

Gene: OTC (ornithine transcarbamylase; plus strand). Cytogenetic location: Xp11.4.
Variant type: single nucleotide variant.
Coding change: c.700G>T on transcript NM_000531.6 (MANE Select); coding-DNA position 700, G replaced by T.
Protein change: p.Glu234Ter; replaces glutamic acid 234 with a stop codon.
Molecular consequence: nonsense.
Genome position (GRCh38, 1-based): chrX:38,408,778, G>T. VCF-style: chrX-38408778-G-T. GRCh37 (hg19) VCF-style: chrX-38268031-G-T.
Other names: short protein forms E234*.
Identifiers: ClinVar variation 97294 (VCV000097294.2), dbSNP rs72558430, ClinGen allele CA224746.

ClinVar aggregate classification (germline): Pathogenic (0 of 4 stars; one submission).

Submission:

GenMed Metabolism Lab
Classification: Pathogenic. Review status: no assertion criteria provided. Collection method: not provided. Allele origin: unknown.
Comment: p.Glu234X, Neonatal
ClinVar note: Converted during submission from pathogenic to Pathogenic.